The following is an entry in ClinVar:

NM_001278512.2(AP3B2):c.190-1G>A

Genes: AP3B2 (adaptor related protein complex 3 subunit beta 2; minus strand), CPEB1-AS1 (CPEB1 antisense RNA 1; plus strand). Cytogenetic location: 15q25.2.
Variant type: single nucleotide variant.
Coding change: c.190-1G>A on transcript NM_001278512.2 (MANE Select); the canonical splice acceptor site of the intron before coding-DNA position 190, G replaced by A.
Molecular consequence: splice acceptor variant.
Genome position (GRCh38, 1-based): chr15:82,689,233, C>T on the plus strand (G>A on the coding strand, the complement: AP3B2 is on the minus strand). VCF-style: chr15-82689233-C-T. GRCh37 (hg19) VCF-style: chr15-83357985-C-T.
Other names: c.190-1G>A (NM_001278511.2, NM_004644.5, NM_001348440.2).
Identifiers: ClinVar variation 2798326 (VCV002798326.3), dbSNP rs2548718983, ClinGen allele CA393301911.

ClinVar aggregate classification (germline): Likely pathogenic (1 of 4 stars; one submission).

Submission:

Labcorp Genetics (formerly Invitae), Labcorp
Classification: Likely pathogenic. Last evaluated: 2023-06-29. Review status: criteria provided, single submitter. Criteria: Invitae Variant Classification Sherloc (09022015). Collection method: clinical testing. Allele origin: germline.
Comment: This sequence change affects an acceptor splice site in intron 2 of the AP3B2 gene. It is expected to disrupt RNA splicing. Variants that disrupt the donor or acceptor splice site typically lead to a loss of protein function (PMID: 16199547), and loss-of-function variants in AP3B2 are known to be pathogenic (PMID: 27889060). This variant is not present in population databases (gnomAD no frequency). This variant has not been reported in the literature in individuals affected with AP3B2-related conditions. In summary, the currently available evidence indicates that the variant is pathogenic, but additional data are needed to prove that conclusively. Therefore, this variant has been classified as Likely Pathogenic. Algorithms developed to predict the effect of sequence changes on RNA splicing suggest that this variant may disrupt the consensus splice site.

Literature cited by the submitters: PubMed 16199547; PubMed 27889060.